The following is an entry in ClinVar:

NM_020442.6(VARS2):c.1074+14C>T

Gene: VARS2 (valyl-tRNA synthetase 2, mitochondrial; plus strand). Cytogenetic location: 6p21.33.
Variant type: single nucleotide variant.
Coding change: c.1074+14C>T on transcript NM_020442.6 (MANE Select); 14 bases into the intron after coding-DNA position 1074, C replaced by T.
Molecular consequence: intron variant.
Genome position (GRCh38, 1-based): chr6:30,918,929, C>T. VCF-style: chr6-30918929-C-T. GRCh37 (hg19) VCF-style: chr6-30886706-C-T.
Other names: c.1164+14C>T (NM_001167734.2); c.654+14C>T (NM_001167733.3).
Identifiers: ClinVar variation 1910699 (VCV001910699.5), dbSNP rs781321885, ClinGen allele CA3705797.

ClinVar aggregate classification (germline): Uncertain significance (1 of 4 stars; one submission).

Allele frequency attached by ClinVar (database versions not stated): ExAC 0.00003; gnomAD 0.00004; TOPMed 0.00005.
gnomAD v4.1: 94 of 1,608,114 alleles (0.0058%); highest among the groups gnomAD compares: African/African-American, 0.008%; no homozygotes.

Submission:

Labcorp Genetics (formerly Invitae), Labcorp
Classification: Uncertain significance. Last evaluated: 2022-07-12. Review status: criteria provided, single submitter. Criteria: Invitae Variant Classification Sherloc (09022015). Collection method: clinical testing. Allele origin: germline.
Comment: In summary, the available evidence is currently insufficient to determine the role of this variant in disease. Therefore, it has been classified as a Variant of Uncertain Significance. Algorithms developed to predict the effect of sequence changes on RNA splicing suggest that this variant may disrupt the consensus splice site. This variant has not been reported in the literature in individuals affected with VARS2-related conditions. This variant is present in population databases (rs781321885, gnomAD 0.009%). This sequence change falls in intron 11 of the VARS2 gene. It does not directly change the encoded amino acid sequence of the VARS2 protein.